The following is an entry in ClinVar:

NM_001002295.2(GATA3):c.1050+2T>C

Gene: GATA3 (GATA binding protein 3; plus strand). Cytogenetic location: 10p14.
Variant type: single nucleotide variant.
Coding change: c.1050+2T>C on transcript NM_001002295.2 (MANE Select); the canonical splice donor site of the intron after coding-DNA position 1050, T replaced by C.
Molecular consequence: splice donor variant.
Genome position (GRCh38, 1-based): chr10:8,069,600, T>C. VCF-style: chr10-8069600-T-C. GRCh37 (hg19) VCF-style: chr10-8111563-T-C.
Other names: c.1047+2T>C (NM_002051.3).
Identifiers: ClinVar variation 1455943 (VCV001455943.8), dbSNP rs1832899364, ClinGen allele CA375975202.

ClinVar aggregate classification (germline): Pathogenic. Review status: criteria provided, multiple submitters, no conflicts (2 of 4 stars). 2 submissions from 2 submitters: Pathogenic (2). Last evaluated 2023-02-28.

Conditions:
Hypoparathyroidism, deafness, renal disease syndrome (HDRS). Also called: HYPOPARATHYROIDISM, SENSORINEURAL DEAFNESS, AND RENAL DYSPLASIA SYNDROME. Identifiers: Orphanet 2237, MedGen C1840333, MONDO:0007797, OMIM 146255.

Submissions (2):

King Laboratory, University of Washington
Classification: Pathogenic for Hypoparathyroidism, deafness, renal disease syndrome. Last evaluated: 2023-02-28. Review status: criteria provided, single submitter. Criteria: Li et al. (Genet Med. 2022). Collection method: research. Allele origin: unknown. Affected: yes.
Comment: This patient’s parents are reported to have normal hearing, but their maternal aunt and maternal great-aunt are reported to have progressive hearing loss beginning at age 30y. This variant is a single base pair substitution that is predicted to alter splicing. At the donor splice of GATA3 exon 5, the sequence change is AAT|gtaggt > AATgcaagt. NNSPLICE scores are 0.98 and 0.13, MaxEnt scores are 8.62 and 0.87 for reference and mutant sequences. Predicted consequences of altered splicing are skipping of exon 5 resulting in a 126bp/42aa in-frame message deletion. As of January 2023, this variant has not been reported to ClinVar and is not found on gnomAD. Based on the prediction that this variant leads to splicing error and goodness of fit of genotype to phenotype, we conclude that this variant is pathogenic.

Labcorp Genetics (formerly Invitae), Labcorp
Classification: Pathogenic. Last evaluated: 2021-01-02. Review status: criteria provided, single submitter. Criteria: Invitae Variant Classification Sherloc (09022015). Collection method: clinical testing. Allele origin: germline.
Comment: For these reasons, this variant has been classified as Pathogenic. This variant disrupts the C-terminus of the GATA3 protein. Other variant(s) that disrupt this region (p.R367*) have been determined to be pathogenic (PMID: 11389161, 26316437, 30534854). This suggests that variants that disrupt this region of the protein are likely to be causative of disease. Nucleotide substitutions within the consensus splice site are a relatively common cause of aberrant splicing (PMID: 17576681, 9536098). Algorithms developed to predict the effect of sequence changes on RNA splicing suggest that this variant may disrupt the consensus splice site, but this prediction has not been confirmed by published transcriptional studies. This variant has not been reported in the literature in individuals with GATA3-related conditions. This variant is not present in population databases (ExAC no frequency). This sequence change affects a donor splice site in intron 5 of the GATA3 gene. While this variant is not anticipated to result in nonsense mediated decay, it likely alters RNA splicing and results in a disrupted protein product.

Literature cited by the submitters: PubMed 36633841 (cited by King Laboratory, University of Washington); PubMed 11389161 (cited by Labcorp Genetics (formerly Invitae), Labcorp); PubMed 26316437 (cited by Labcorp Genetics (formerly Invitae), Labcorp); PubMed 30534854 (cited by Labcorp Genetics (formerly Invitae), Labcorp); PubMed 17576681 (cited by Labcorp Genetics (formerly Invitae), Labcorp); PubMed 9536098 (cited by Labcorp Genetics (formerly Invitae), Labcorp).